The following is an entry in ClinVar:

ClinVar aggregate classification (germline): Conflicting classifications of pathogenicity. Review status: criteria provided, conflicting classifications (1 of 4 stars). 6 submissions from 6 submitters: Uncertain significance (5); Benign (1). Last evaluated 2025-11-13.

Conditions:
Hereditary nonpolyposis colorectal neoplasms. Identifiers: MedGen C0009405, MeSH D003123.
Endometrial carcinoma. Also called: Endometrial carcinoma, somatic. Identifiers: MedGen C0476089, MONDO:0002447, OMIM 608089, HP:0012114.
Hereditary cancer-predisposing syndrome. Also called: Hereditary neoplastic syndrome; Tumor predisposition; Hereditary Cancer Syndrome; Neoplastic Syndromes, Hereditary. Identifiers: Orphanet 140162, MedGen C0027672, MeSH D009386, MONDO:0015356.

Allele frequency attached by ClinVar (database versions not stated): ExAC 0.00001; gnomAD 0.00001; gnomAD exomes 0.00001; TOPMed 0.00001.
gnomAD v4.1: 3 of 1,613,992 alleles (0.00019%); highest among the groups gnomAD compares: African/African-American, 0.004%; no homozygotes.

Submissions (6):

Labcorp Genetics (formerly Invitae), Labcorp
Classification: Benign for Hereditary nonpolyposis colorectal neoplasms. Last evaluated: 2025-11-13. Review status: criteria provided, single submitter. Criteria: Invitae Variant Classification Sherloc (09022015). Collection method: clinical testing. Allele origin: germline.

Quest Diagnostics Nichols Institute San Juan Capistrano
Classification: Uncertain significance. Last evaluated: 2024-06-19. Review status: criteria provided, single submitter. Criteria: Quest Diagnostics criteria. Collection method: clinical testing. Allele origin: unknown.
Comment: The MSH6 c.1270G>C (p.Val424Leu) variant has not been reported in individuals with MSH6-related conditions in the published literature. The frequency of this variant in the general population, 0.000008 (2/251340 chromosomes (Genome Aggregation Database)), is uninformative in the assessment of its pathogenicity. Analysis of this variant using bioinformatics tools for the prediction of the effect of amino acid changes on protein structure and function yielded conflicting predictions that this variant is benign or damaging. Based on the available information, we are unable to determine the clinical significance of this variant.

Ambry Genetics
Classification: Uncertain significance for Hereditary cancer-predisposing syndrome. Last evaluated: 2024-04-25. Review status: criteria provided, single submitter. Criteria: Ambry Variant Classification Scheme 2023. Collection method: clinical testing. Allele origin: germline.
Comment: The p.V424L variant (also known as c.1270G>C), located in coding exon 4 of the MSH6 gene, results from a G to C substitution at nucleotide position 1270. The valine at codon 424 is replaced by leucine, an amino acid with highly similar properties. This amino acid position is highly conserved in available vertebrate species. In addition, the in silico prediction for this alteration is inconclusive. Based on the available evidence, the clinical significance of this variant remains unclear.

Baylor Genetics
Classification: Uncertain significance for Endometrial carcinoma. Last evaluated: 2023-12-20. Review status: criteria provided, single submitter. Criteria: ACMG Guidelines, 2015. Collection method: clinical testing. Allele origin: unknown.

Color Diagnostics, LLC DBA Color Health
Classification: Uncertain significance for Hereditary cancer-predisposing syndrome. Last evaluated: 2019-06-07. Review status: criteria provided, single submitter. Criteria: ACMG Guidelines, 2015. Collection method: clinical testing. Allele origin: germline.

Genetic Services Laboratory, University of Chicago
Classification: Uncertain significance. Last evaluated: 2018-04-24. Review status: criteria provided, single submitter. Criteria: ACMG Guidelines, 2015. Collection method: clinical testing. Allele origin: germline. Affected: no.

NM_000179.3(MSH6):c.1270G>C (p.Val424Leu)

Gene: MSH6 (mutS homolog 6; plus strand). Cytogenetic location: 2p16.3.
Variant type: single nucleotide variant.
Coding change: c.1270G>C on transcript NM_000179.3 (MANE Select); coding-DNA position 1270, G replaced by C.
Protein change: p.Val424Leu; replaces valine 424 with leucine.
Molecular consequence: missense variant.
Genome position (GRCh38, 1-based): chr2:47,799,253, G>C. VCF-style: chr2-47799253-G-C. GRCh37 (hg19) VCF-style: chr2-48026392-G-C.
Other names: c.880G>C, p.Val294Leu (NM_001281492.2); c.364G>C, p.Val122Leu (NM_001281493.2, NM_001281494.2); short protein forms V424L, V122L, V294L.
Identifiers: ClinVar variation 491870 (VCV000491870.21), dbSNP rs768299607, ClinGen allele CA067430.